The following is an entry in ClinVar:

NM_000037.4(ANK1):c.3813G>A (p.Glu1271=)

Gene: ANK1 (ankyrin 1; minus strand). Cytogenetic location: 8p11.21.
Variant type: single nucleotide variant.
Coding change: c.3813G>A on transcript NM_000037.4 (MANE Select); coding-DNA position 3813, G replaced by A.
Protein change: p.Glu1271=; no amino-acid change (glutamic acid 1271 retained).
Molecular consequence: synonymous variant.
Genome position (GRCh38, 1-based): chr8:41,692,693, C>T on the plus strand (G>A on the coding strand, the complement: ANK1 is on the minus strand). VCF-style: chr8-41692693-C-T. GRCh37 (hg19) VCF-style: chr8-41550211-C-T.
Other names: p.Glu1271=; c.3936G>A, p.Glu1312= (NM_001142446.2); c.3813G>A, p.Glu1271= (NM_020475.3, NM_020476.3, NM_020477.3).
Identifiers: ClinVar variation 363000 (VCV000363000.24), dbSNP rs16890758, ClinGen allele CA4727778.

ClinVar aggregate classification (germline): Benign/Likely benign. Review status: criteria provided, multiple submitters, no conflicts (2 of 4 stars). 8 submissions from 7 submitters: Benign (5); Likely benign (3). Last evaluated 2026-01-18.

Conditions:
Hereditary spherocytosis type 1. Also called: Spherocytosis type 1; ANK1-Related Spherocytosis. Identifiers: Orphanet 822, MedGen C2674218, MONDO:0008447, OMIM 182900.
Spherocytosis. Identifiers: MedGen C0553720, HP:0004444.

Allele frequency attached by ClinVar (database versions not stated): gnomAD exomes 0.00120 and 0.00273; ExAC 0.00345; gnomAD 0.01135 and 0.01205; TOPMed 0.01284; 1000 Genomes Project 0.01378; ESP Exome Variant Server 0.01399; 1000 Genomes Project 30x 0.01499.
gnomAD v4.1: 3,552 of 1,614,040 alleles (0.22%); highest among the groups gnomAD compares: African/African-American, 4.3%; 85 homozygotes.

Submissions (8):

Labcorp Genetics (formerly Invitae), Labcorp
Classification: Benign. Last evaluated: 2026-01-18. Review status: criteria provided, single submitter. Criteria: Invitae Variant Classification Sherloc (09022015). Collection method: clinical testing. Allele origin: germline.

ARUP Laboratories, Molecular Genetics and Genomics, ARUP Laboratories
Classification: Benign for Hereditary spherocytosis type 1. Last evaluated: 2025-01-03. Review status: criteria provided, single submitter. Criteria: ARUP Molecular Germline Variant Investigation Process 2024. Collection method: clinical testing. Allele origin: germline.

Mayo Clinic Laboratories, Mayo Clinic
Classification: Benign. Last evaluated: 2022-05-17. Review status: criteria provided, single submitter. Criteria: ACMG Guidelines, 2015. Collection method: clinical testing. Allele origin: germline. Observed: 42 variant alleles.
Comment: BS1, BS2

Genome-Nilou Lab
Classification: Benign for Hereditary spherocytosis type 1. Last evaluated: 2021-12-05. Review status: criteria provided, single submitter. Criteria: ACMG Guidelines, 2015. Collection method: clinical testing. Allele origin: germline. Affected: no.

Fulgent Genetics
Classification: Likely benign for Hereditary spherocytosis type 1. Last evaluated: 2021-11-18. Review status: criteria provided, single submitter. Criteria: ACMG Guidelines, 2015. Collection method: clinical testing. Allele origin: unknown.

Illumina Laboratory Services, Illumina
Classification: Benign for Hereditary spherocytosis type 1. Last evaluated: 2018-01-12. Review status: criteria provided, single submitter. Criteria: ICSL Variant Classification Criteria 13 December 2019. Collection method: clinical testing. Allele origin: germline.
Comment: This variant was observed in the ICSL laboratory as part of a predisposition screen in an ostensibly healthy population. It had not been previously curated by ICSL or reported in the Human Gene Mutation Database (HGMD: prior to June 1st, 2018), and was therefore a candidate for classification through an automated scoring system. Utilizing variant allele frequency, disease prevalence and penetrance estimates, and inheritance mode, an automated score was calculated to assess if this variant is too frequent to cause the disease. Based on the score and internal cut-off values, a variant classified as benign is not then subjected to further curation. The score for this variant resulted in a classification of benign for this disease.

Illumina Laboratory Services, Illumina
Classification: Likely benign for Spherocytosis. Last evaluated: 2018-01-12. Review status: criteria provided, single submitter. Criteria: ICSL Variant Classification Criteria 13 December 2019. Collection method: clinical testing. Allele origin: germline.
Comment: This variant was observed in the ICSL laboratory as part of a predisposition screen in an ostensibly healthy population. It had not been previously curated by ICSL or reported in the Human Gene Mutation Database (HGMD: prior to June 1st, 2018), and was therefore a candidate for classification through an automated scoring system. Utilizing variant allele frequency, disease prevalence and penetrance estimates, and inheritance mode, an automated score was calculated to assess if this variant is too frequent to cause the disease. Based on the score and internal cut-off values, a variant classified as likely benign is not then subjected to further curation. The score for this variant resulted in a classification of likely benign for this disease.

Breakthrough Genomics
Classification: Likely benign. Review status: criteria provided, single submitter. Criteria: ACMG Guidelines, 2015. Collection method: not provided. Allele origin: germline. Inheritance: Autosomal dominant inheritance. Affected: yes.